The following is an entry in ClinVar:

ClinVar aggregate classification (germline): Uncertain significance. Review status: criteria provided, multiple submitters, no conflicts (2 of 4 stars). 2 submissions from 2 submitters: Uncertain significance (2). Last evaluated 2022-11-04.

Conditions:
Arrhythmogenic cardiomyopathy with wooly hair and keratoderma. Also called: Dilated cardiomyopathy with woolly hair and keratoderma; Carvajal syndrome; PALMOPLANTAR KERATODERMA WITH LEFT VENTRICULAR CARDIOMYOPATHY AND WOOLLY HAIR; Arrhythmogenic cardiomyopathy with woolly hair and keratoderma. Identifiers: Orphanet 65282, MedGen C1854063, MONDO:0011581, OMIM 605676.
Arrhythmogenic right ventricular dysplasia 8 (ARVD8). Also called: Arrhythmogenic Right Ventricular Dysplasia/Cardiomyopathy 8; ARRHYTHMOGENIC RIGHT VENTRICULAR DYSPLASIA, FAMILIAL, 8; ARRHYTHMOGENIC RIGHT VENTRICULAR CARDIOMYOPATHY 8. Identifiers: MedGen C1843896, MONDO:0011831, OMIM 607450.

gnomAD v4.1: 1 of 1,614,194 alleles (0.000062%); highest among the groups gnomAD compares: Non-Finnish European, 0.000085%; no homozygotes.

Submissions (2):

GeneDx
Classification: Uncertain significance. Last evaluated: 2022-11-04. Review status: criteria provided, single submitter. Criteria: GeneDx Variant Classification Process June 2021. Collection method: clinical testing. Allele origin: germline. Affected: yes.
Comment: Has not been previously published as pathogenic or benign to our knowledge; Not observed at significant frequency in large population cohorts (gnomAD); In silico analysis supports that this missense variant has a deleterious effect on protein structure/function

Labcorp Genetics (formerly Invitae), Labcorp
Classification: Uncertain significance for Arrhythmogenic cardiomyopathy with wooly hair and keratoderma; Arrhythmogenic right ventricular dysplasia 8. Last evaluated: 2022-03-20. Review status: criteria provided, single submitter. Criteria: Invitae Variant Classification Sherloc (09022015). Collection method: clinical testing. Allele origin: germline.
Comment: This sequence change replaces arginine, which is basic and polar, with threonine, which is neutral and polar, at codon 2118 of the DSP protein (p.Arg2118Thr). This variant is not present in population databases (gnomAD no frequency). This variant has not been reported in the literature in individuals affected with DSP-related conditions. Algorithms developed to predict the effect of missense changes on protein structure and function are either unavailable or do not agree on the potential impact of this missense change (SIFT: "Deleterious"; PolyPhen-2: "Benign"; Align-GVGD: "Class C25"). In summary, the available evidence is currently insufficient to determine the role of this variant in disease. Therefore, it has been classified as a Variant of Uncertain Significance.

NM_004415.4(DSP):c.6353G>C (p.Arg2118Thr)

Gene: DSP (desmoplakin; plus strand). Cytogenetic location: 6p24.3.
Variant type: single nucleotide variant.
Coding change: c.6353G>C on transcript NM_004415.4 (MANE Select); coding-DNA position 6353, G replaced by C.
Protein change: p.Arg2118Thr; replaces arginine 2118 with threonine.
Molecular consequence: missense variant.
Genome position (GRCh38, 1-based): chr6:7,583,615, G>C. VCF-style: chr6-7583615-G-C. GRCh37 (hg19) VCF-style: chr6-7583848-G-C.
Other names: c.4556G>C, p.Arg1519Thr (NM_001008844.3); c.5024G>C, p.Arg1675Thr (NM_001319034.2); short protein forms R2118T, R1675T, R1519T.
Identifiers: ClinVar variation 2192008 (VCV002192008.5), dbSNP rs1759528689, ClinGen allele CA362690618.